The following is an entry in ClinVar:

ClinVar aggregate classification (germline): Uncertain significance. Review status: criteria provided, multiple submitters, no conflicts (2 of 4 stars). 2 submissions from 2 submitters: Uncertain significance (2). Last evaluated 2026-04-29.

gnomAD v4.1: 61 of 1,613,572 alleles (0.0038%); highest among the groups gnomAD compares: Middle Eastern, 0.016%; no homozygotes.

Submissions (2):

Women's Health and Genetics/Laboratory Corporation of America, LabCorp
Classification: Uncertain significance. Last evaluated: 2026-04-29. Review status: criteria provided, single submitter. Criteria: LabCorp Variant Classification Summary - May 2015. Collection method: clinical testing. Allele origin: germline.
Comment: Variant summary: PKD1L1 c.5107C>T (p.Arg1703Cys) results in a non-conservative amino acid change in the encoded protein sequence. Algorithms developed to predict the effect of missense changes on protein structure and function are either unavailable or do not agree on the potential impact of this missense change. The variant allele was found at a frequency of 4.8e-05 in 250784 control chromosomes. This frequency is not significantly higher than estimated for disease-causing variants in PKD1L1, allowing no conclusion about variant significance. To our knowledge, no occurrence of c.5107C>T in individuals affected with PKD1L1-related conditions and no experimental evidence demonstrating its impact on protein function have been reported. No submitters have cited clinical-significance assessments for this variant to ClinVar. Based on the evidence outlined above, the variant was classified as uncertain significance.

Blueprint Genetics
Classification: Uncertain significance. Last evaluated: 2023-07-03. Review status: criteria provided, single submitter. Criteria: ACMG Guidelines, 2015. Collection method: clinical testing. Allele origin: germline.

NM_138295.5(PKD1L1):c.5107C>T (p.Arg1703Cys)

Gene: PKD1L1 (polycystin 1 like 1, transient receptor potential channel interacting; minus strand). Cytogenetic location: 7p12.3.
Variant type: single nucleotide variant.
Coding change: c.5107C>T on transcript NM_138295.5 (MANE Select); coding-DNA position 5107, C replaced by T.
Protein change: p.Arg1703Cys; replaces arginine 1703 with cysteine.
Molecular consequence: missense variant.
Genome position (GRCh38, 1-based): chr7:47,846,925, G>A on the plus strand (C>T on the coding strand, the complement: PKD1L1 is on the minus strand). VCF-style: chr7-47846925-G-A. GRCh37 (hg19) VCF-style: chr7-47886523-G-A.
Other names: short protein forms R1703C.
Identifiers: ClinVar variation 4848335 (VCV004848335.2).